The following is an entry in ClinVar:

NM_004092.4(ECHS1):c.607G>A (p.Ala203Thr)

Gene: ECHS1 (enoyl-CoA hydratase, short chain 1; minus strand). Cytogenetic location: 10q26.3.
Variant type: single nucleotide variant.
Coding change: c.607G>A on transcript NM_004092.4 (MANE Select); coding-DNA position 607, G replaced by A.
Protein change: p.Ala203Thr; replaces alanine 203 with threonine.
Molecular consequence: missense variant.
Genome position (GRCh38, 1-based): chr10:133,366,901, C>T on the plus strand (G>A on the coding strand, the complement: ECHS1 is on the minus strand). VCF-style: chr10-133366901-C-T. GRCh37 (hg19) VCF-style: chr10-135180405-C-T.
Other names: short protein forms A203T.
Identifiers: ClinVar variation 1442479 (VCV001442479.5), dbSNP rs371936993, ClinGen allele CA5765718.

ClinVar aggregate classification (germline): Uncertain significance. Review status: criteria provided, multiple submitters, no conflicts (2 of 4 stars). 2 submissions from 2 submitters: Uncertain significance (2). Last evaluated 2021-10-01.

Conditions:
Mitochondrial short-chain Enoyl-Coa hydratase 1 deficiency. Also called: Mitochondrial Short-Chain Enoyl-CoA Hydratase Deficiency; ECHS1 deficiency; PxMD-ECHS1. Identifiers: Orphanet 255241, Orphanet 653880, MedGen C4225391, MONDO:0014563, OMIM 616277.

Allele frequency attached by ClinVar (database versions not stated): ExAC 0.00001; gnomAD exomes 0.00002; TOPMed 0.00003; gnomAD 0.00005 and 0.00006; ESP Exome Variant Server 0.00008.
gnomAD v4.1: 21 of 1,611,202 alleles (0.0013%); highest among the groups gnomAD compares: African/African-American, 0.004%; no homozygotes.

Submissions (2):

Labcorp Genetics (formerly Invitae), Labcorp
Classification: Uncertain significance. Last evaluated: 2021-10-01. Review status: criteria provided, single submitter. Criteria: Invitae Variant Classification Sherloc (09022015). Collection method: clinical testing. Allele origin: germline.
Comment: This sequence change replaces alanine with threonine at codon 203 of the ECHS1 protein (p.Ala203Thr). The alanine residue is highly conserved and there is a small physicochemical difference between alanine and threonine. This variant is present in population databases (rs371936993, ExAC 0.01%). This missense change has been observed in individual(s) with clinical features of ECHS1-related conditions (PMID: 32677908). In at least one individual the data is consistent with the variant being in trans (on the opposite chromosome) from a pathogenic variant. Advanced modeling of protein sequence and biophysical properties (such as structural, functional, and spatial information, amino acid conservation, physicochemical variation, residue mobility, and thermodynamic stability) performed at Invitae indicates that this missense variant is expected to disrupt ECHS1 protein function. In summary, the available evidence is currently insufficient to determine the role of this variant in disease. Therefore, it has been classified as a Variant of Uncertain Significance.

Juno Genomics, Hangzhou Juno Genomics, Inc
Classification: Uncertain significance for Mitochondrial short-chain Enoyl-Coa hydratase 1 deficiency. Review status: criteria provided, single submitter. Criteria: ACMG Guidelines, 2015. Collection method: clinical testing. Allele origin: germline.
Comment: Absent from controls (or at extremely low frequency if recessive) in Genome Aggregation Database.;Multiple lines of computational evidence support a deleterious effect on the gene or gene product.;For recessive disorders, detected in trans with a pathogenic variant.

Literature cited by the submitters: PubMed 32677908 (cited by Labcorp Genetics (formerly Invitae), Labcorp).